The following is an entry in ClinVar:

NM_004826.4(ECEL1):c.146_148del (p.Arg49_Ser50delinsPro)

Gene: ECEL1 (endothelin converting enzyme like 1; minus strand). Cytogenetic location: 2q37.1.
Variant type: Deletion.
Coding change: c.146_148del on transcript NM_004826.4 (MANE Select); coding-DNA positions 146 to 148, 3 bases deleted (GGT; older notation c.146_148delGGT).
Protein change: p.Arg49_Ser50delinsPro.
Molecular consequence: inframe indel.
Genome position (GRCh38, 1-based): chr2:232,486,506-232,486,508, ACC deleted on the plus strand (GGT on the coding strand, the reverse complement: ECEL1 is on the minus strand). VCF-style (leftmost placement, unchanged base first): chr2-232486505-GACC-G. GRCh37 (hg19) VCF-style: chr2-233351215-GACC-G.
Other names: c.146_148del, p.Arg49_Ser50delinsPro (NM_001290787.2).
Identifiers: ClinVar variation 4819350 (VCV004819350.1).

ClinVar aggregate classification (germline): Likely pathogenic (1 of 4 stars; one submission).

Conditions:
Distal arthrogryposis type 5D (DA5D). Identifiers: Orphanet 329457, MedGen C3554415, MONDO:0014028, OMIM 615065.

Submission:

Clinical Biomedical Laboratory, Shriners Hospital For Children - Canada
Classification: Likely pathogenic for Distal arthrogryposis type 5D. Review status: criteria provided, single submitter. Criteria: ACMG Guidelines, 2015. Collection method: clinical testing. Allele origin: germline. Affected: yes.
Comment: This variant is predicted to cause an in-frame deletion in exon 4. This variant is not reported in ClinVar, and is not present in the general population databases the Genome Aggregation Database v.2.1.1, indicating it is rare. Recessive variants in ECEL1 are associated with distal arthrogryposis (PMID: 23236030 and 23261301), which corresponds to the clinical diagnosis of the proband. Based on the ACMG variant interpretation guidelines, the available evidence supports classification of this variant as likely pathogenic.